The following is an entry in ClinVar:

ClinVar aggregate classification (germline): Uncertain significance (1 of 4 stars; one submission).

Conditions:
Cardiovascular phenotype. Identifiers: MedGen CN230736.

Submission:

Ambry Genetics
Classification: Uncertain significance for Cardiovascular phenotype. Last evaluated: 2023-10-21. Review status: criteria provided, single submitter. Criteria: Ambry Variant Classification Scheme 2023. Collection method: clinical testing. Allele origin: germline.
Comment: The p.E44Q variant (also known as c.130G>C), located in coding exon 3 of the MFAP5 gene, results from a G to C substitution at nucleotide position 130. The glutamic acid at codon 44 is replaced by glutamine, an amino acid with highly similar properties. This amino acid position is conserved. In addition, this alteration is predicted to be tolerated by in silico analysis. Since supporting evidence is limited at this time, the clinical significance of this alteration remains unclear.

NM_003480.4(MFAP5):c.130G>C (p.Glu44Gln)

Gene: MFAP5 (microfibril associated protein 5; minus strand). Cytogenetic location: 12p13.31.
Variant type: single nucleotide variant.
Coding change: c.130G>C on transcript NM_003480.4 (MANE Select); coding-DNA position 130, G replaced by C.
Protein change: p.Glu44Gln; replaces glutamic acid 44 with glutamine.
Molecular consequence: missense variant. On other transcripts: non-coding transcript variant (2).
Genome position (GRCh38, 1-based): chr12:8,655,795, C>G on the plus strand (G>C on the coding strand, the complement: MFAP5 is on the minus strand). VCF-style: chr12-8655795-C-G. GRCh37 (hg19) VCF-style: chr12-8808391-C-G.
Other names: c.130G>C, p.Glu44Gln (NM_001297709.2, NM_001297711.2, NM_001297712.2); c.94G>C, p.Glu32Gln (NM_001297710.2); short protein forms E32Q, E44Q.
Identifiers: ClinVar variation 3223386 (VCV003223386.1), dbSNP rs2540300815, ClinGen allele CA384039487.